The following is an entry in ClinVar:

ClinVar aggregate classification (germline): Pathogenic. Review status: criteria provided, multiple submitters, no conflicts (2 of 4 stars). 3 submissions from 3 submitters: Pathogenic (2). 1 of the submissions does not count toward it. Last evaluated 2025-06-23.

Conditions:
Ciliary dyskinesia, primary, 38 (CILD38). Also called: CILIARY DYSKINESIA, PRIMARY, 38, WITH OR WITHOUT SITUS INVERSUS. Identifiers: MedGen C4748052, MONDO:0054843, OMIM 618063.

Allele frequency attached by ClinVar (database versions not stated): gnomAD exomes 0.00001; ExAC 0.00001.
gnomAD v4.1: 14 of 1,611,224 alleles (0.00087%); highest among the groups gnomAD compares: African/African-American, 0.0053%; no homozygotes.

Submissions (3):

Labcorp Genetics (formerly Invitae), Labcorp
Classification: Pathogenic. Last evaluated: 2025-06-23. Review status: criteria provided, single submitter. Criteria: Invitae Variant Classification Sherloc (09022015). Collection method: clinical testing. Allele origin: germline.
Comment: This sequence change creates a premature translational stop signal (p.Arg121*) in the C11orf70 gene. It is expected to result in an absent or disrupted protein product. Loss-of-function variants in C11orf70 are known to be pathogenic (PMID: 29727692, 29727693). This variant is present in population databases (rs561237622, gnomAD 0.007%). This premature translational stop signal has been observed in individual(s) with primary ciliary dyskinesia (PMID: 29727692, 29727693). In at least one individual the data is consistent with being in trans (on the opposite chromosome) from a pathogenic variant. ClinVar contains an entry for this variant (Variation ID: 549859). For these reasons, this variant has been classified as Pathogenic.

Genomic Medicine Center of Excellence, King Faisal Specialist Hospital and Research Centre
Classification: Pathogenic for Ciliary dyskinesia, primary, 38. Last evaluated: 2024-04-04. Review status: criteria provided, single submitter. Criteria: ACMG Guidelines, 2015. Collection method: clinical testing. Allele origin: germline.

OMIM
Classification: Pathogenic for CILIARY DYSKINESIA, PRIMARY, 38. Last evaluated: 2018-07-31. Review status: no assertion criteria provided. Collection method: literature only. Allele origin: germline. Not counted in ClinVar's aggregate classification.

Literature cited by the submitters: PubMed 29727692 (cited by Labcorp Genetics (formerly Invitae), Labcorp and OMIM); PubMed 29727693 (cited by Labcorp Genetics (formerly Invitae), Labcorp and OMIM).

NM_032930.3(CFAP300):c.361C>T (p.Arg121Ter)

Gene: CFAP300 (cilia and flagella associated protein 300; plus strand). Cytogenetic location: 11q22.1.
Variant type: single nucleotide variant.
Coding change: c.361C>T on transcript NM_032930.3 (MANE Select); coding-DNA position 361, C replaced by T.
Protein change: p.Arg121Ter; replaces arginine 121 with a stop codon.
Molecular consequence: nonsense. On other transcripts: intron variant (1).
Genome position (GRCh38, 1-based): chr11:102,066,577, C>T. VCF-style: chr11-102066577-C-T. GRCh37 (hg19) VCF-style: chr11-101937308-C-T.
Other names: CFAP300, ARG121TER (rs561237622); c.361C>T, p.Arg121Ter (NM_001363505.2); c.268+7622C>T (NM_001195005.2); short protein forms R121*.
Identifiers: ClinVar variation 549859 (VCV000549859.6), dbSNP rs561237622, ClinGen allele CA6245984.